The following is an entry in ClinVar:

ClinVar aggregate classification (germline): Uncertain significance (1 of 4 stars; one submission).

Conditions:
Gorlin syndrome. Also called: Nevoid Basal Cell Carcinoma Syndrome; Basal cell nevus syndrome. Identifiers: Orphanet 377, MedGen C0004779, MONDO:0007187.

Allele frequency attached by ClinVar (database versions not stated): TOPMed 0.00001; gnomAD 0.00002.
gnomAD v4.1: 3 of 1,613,926 alleles (0.00019%); highest among the groups gnomAD compares: African/African-American, 0.004%; no homozygotes.

Submission:

Labcorp Genetics (formerly Invitae), Labcorp
Classification: Uncertain significance for Gorlin syndrome. Last evaluated: 2023-09-26. Review status: criteria provided, single submitter. Criteria: Invitae Variant Classification Sherloc (09022015). Collection method: clinical testing. Allele origin: germline.
Comment: In summary, the available evidence is currently insufficient to determine the role of this variant in disease. Therefore, it has been classified as a Variant of Uncertain Significance. This variant has not been reported in the literature in individuals affected with PTCH2-related conditions. Algorithms developed to predict the effect of missense changes on protein structure and function output the following: SIFT: "Not Available"; PolyPhen-2: "Benign"; Align-GVGD: "Not Available". The alanine amino acid residue is found in multiple mammalian species, which suggests that this missense change does not adversely affect protein function. This variant is present in population databases (no rsID available, gnomAD 0.01%). This sequence change replaces glycine, which is neutral and non-polar, with alanine, which is neutral and non-polar, at codon 1139 of the PTCH2 protein (p.Gly1139Ala).

NM_003738.5(PTCH2):c.3416G>C (p.Gly1139Ala)

Gene: PTCH2 (patched 2; minus strand). Cytogenetic location: 1p34.1.
Variant type: single nucleotide variant.
Coding change: c.3416G>C on transcript NM_003738.5 (MANE Select); coding-DNA position 3416, G replaced by C.
Protein change: p.Gly1139Ala; replaces glycine 1139 with alanine.
Molecular consequence: missense variant.
Genome position (GRCh38, 1-based): chr1:44,822,611, C>G on the plus strand (G>C on the coding strand, the complement: PTCH2 is on the minus strand). VCF-style: chr1-44822611-C-G. GRCh37 (hg19) VCF-style: chr1-45288283-C-G.
Other names: c.3416G>C, p.Gly1139Ala (NM_001166292.2); short protein forms G1139A.
Identifiers: ClinVar variation 2895646 (VCV002895646.3), dbSNP rs769580880, ClinGen allele CA340105655.